The following is an entry in ClinVar:

NM_170606.3(KMT2C):c.3902C>T (p.Ser1301Phe)

Gene: KMT2C (lysine methyltransferase 2C; minus strand). Cytogenetic location: 7q36.1.
Variant type: single nucleotide variant.
Coding change: c.3902C>T on transcript NM_170606.3 (MANE Select); coding-DNA position 3902, C replaced by T.
Protein change: p.Ser1301Phe; replaces serine 1301 with phenylalanine.
Molecular consequence: missense variant.
Genome position (GRCh38, 1-based): chr7:152,205,165, G>A on the plus strand (C>T on the coding strand, the complement: KMT2C is on the minus strand). VCF-style: chr7-152205165-G-A. GRCh37 (hg19) VCF-style: chr7-151902250-G-A.
Other names: p.Ser1301Phe; short protein forms S1301F.
Identifiers: ClinVar variation 1710498 (VCV001710498.3), dbSNP rs2129137318, ClinGen allele CA370108223.

ClinVar aggregate classification (germline): Uncertain significance (1 of 4 stars; one submission).

Conditions:
Kleefstra syndrome 2 (KLEFS2). Identifiers: MedGen C4540395, MONDO:0054701, OMIM 617768.

Submission:

Foundation for Research in Genetics and Endocrinology, FRIGE's Institute of Human Genetics
Classification: Uncertain significance for Kleefstra syndrome 2. Last evaluated: 2021-11-20. Review status: criteria provided, single submitter. Criteria: ACMG Guidelines, 2015. Collection method: research. Allele origin: paternal. Inheritance: Autosomal dominant inheritance. Affected: yes. Observed: 1 heterozygote.
Comment: A heterozygous missense variation in exon 25 of the KMT2C gene that results in the amino acid substitution of Phenylalanine for Serine at codon 1301 was detected. The observed variant c.3902C>T (p.Ser1301Phe) has not been reported in the 1000 genomes and gnomAD databases. The in silico prediction of the variant are damaging by SIFT, LRT and MutationTaster2. The reference codon is conserved across species. In summary, the variant meets our criteria to be classified as a variant of uncertain significance.